The following is an entry in ClinVar:

ClinVar aggregate classification (germline): Benign/Likely benign. Review status: criteria provided, multiple submitters, no conflicts (2 of 4 stars). 6 submissions from 6 submitters: Benign (1); Likely benign (4). 1 of the submissions does not count toward it. Last evaluated 2026-01-26.

Conditions:
Hereditary nonpolyposis colorectal neoplasms. Identifiers: MedGen C0009405, MeSH D003123.
Carcinoma of colon (CRC). Also called: Colonic carcinoma; Colon carcinoma. Identifiers: MedGen C0699790, MONDO:0002032.
Hereditary cancer-predisposing syndrome. Also called: Tumor predisposition; Hereditary Cancer Syndrome; Neoplastic Syndromes, Hereditary; Hereditary neoplastic syndrome. Identifiers: Orphanet 140162, MedGen C0027672, MeSH D009386, MONDO:0015356.
Lynch syndrome 5 (LYNCH5). Also called: Colorectal cancer, hereditary nonpolyposis, type 5; Hereditary non-polyposis colorectal cancer, type 5. Identifiers: Orphanet 144, MedGen C1833477, MONDO:0013710, OMIM 614350. Disease mechanism: loss of function.

Allele frequency attached by ClinVar (database versions not stated): gnomAD 0.00001; gnomAD exomes 0.00002; TOPMed 0.00002.
gnomAD v4.1: 19 of 1,606,856 alleles (0.0012%); highest among the groups gnomAD compares: Middle Eastern, 0.016%; no homozygotes.

Submissions (6):

Labcorp Genetics (formerly Invitae), Labcorp
Classification: Likely benign for Hereditary nonpolyposis colorectal neoplasms. Last evaluated: 2026-01-26. Review status: criteria provided, single submitter. Criteria: Invitae Variant Classification Sherloc (09022015). Collection method: clinical testing. Allele origin: germline.

KCCC/NGS Laboratory, Kuwait Cancer Control Center
Classification: Benign for Lynch syndrome 5. Last evaluated: 2025-02-01. Review status: criteria provided, single submitter. Criteria: ACMG Guidelines, 2015. Collection method: clinical testing. Allele origin: germline. Affected: no.

Blueprint Genetics
Classification: Likely benign. Last evaluated: 2024-07-19. Review status: criteria provided, single submitter. Criteria: ACMG Guidelines, 2015. Collection method: clinical testing. Allele origin: germline.

GeneDx
Classification: Likely benign. Last evaluated: 2017-07-07. Review status: criteria provided, single submitter. Criteria: GeneDx Variant Classification (06012015). Collection method: clinical testing. Allele origin: germline. Affected: yes.
Comment: This variant is considered likely benign or benign based on one or more of the following criteria: it is a conservative change, it occurs at a poorly conserved position in the protein, it is predicted to be benign by multiple in silico algorithms, and/or has population frequency not consistent with disease.

Color Diagnostics, LLC DBA Color Health
Classification: Likely benign for Hereditary cancer-predisposing syndrome. Last evaluated: 2016-06-20. Review status: criteria provided, single submitter. Criteria: ACMG Guidelines, 2015. Collection method: clinical testing. Allele origin: germline.

Department of Pathology and Laboratory Medicine, Sinai Health System
Classification: Uncertain significance for Carcinoma of colon. Review status: no assertion criteria provided. Collection method: clinical testing. Allele origin: unknown. Affected: yes. Study: The Canadian Open Genetics Repository (COGR). Not counted in ClinVar's aggregate classification.
Comment: The MSH6 c.3172+14C>T variant was not identified in the literature nor was it identified in the ClinVar, Genesight-COGR, UMD-LSDB, Insight Colon Cancer Gene Variant Database, Zhejiang Colon Cancer Database, Mismatch Repair Genes Variant Database, Insight Hereditary Tumors Database, databases. The variant was identified in dbSNP (ID: rs762990595) as N/A, database. The variant was identified in control databases in 5 of 268550 chromosomes at a frequency of 0.00002 (Genome Aggregation Consortium Feb 27, 2017) in the following populations: Latino in 3 of 34298 chromosomes (freq. 0.0001), European in 2 of 124606 chromosomes (freq. 0.00002). The variant occurs outside of the splicing consensus sequence and in silico or computational prediction software programs (SpliceSiteFinder, MaxEntScan, NNSPLICE, GeneSplicer, HumanSpliceFinder) do not predict a difference in splicing. In summary, based on the above information, the clinical significance of this variant cannot be determined with certainty at this time. This variant is classified as a variant of uncertain significance.

NM_000179.3(MSH6):c.3172+14C>T

Gene: MSH6 (mutS homolog 6; plus strand). Cytogenetic location: 2p16.3.
Variant type: single nucleotide variant.
Coding change: c.3172+14C>T on transcript NM_000179.3 (MANE Select); 14 bases into the intron after coding-DNA position 3172, C replaced by T.
Molecular consequence: intron variant.
Genome position (GRCh38, 1-based): chr2:47,801,169, C>T. VCF-style: chr2-47801169-C-T. GRCh37 (hg19) VCF-style: chr2-48028308-C-T.
Other names: c.2266+14C>T (NM_001281493.2, NM_001281494.2); c.2782+14C>T (NM_001281492.2).
Identifiers: ClinVar variation 491926 (VCV000491926.14), dbSNP rs762990595, ClinGen allele CA46713096.
Genomic context (GRCh38, chr2:47,801,169, plus strand): 5'-AAATTACAAGGACTGGCAGTCTGCTGTAGAGTGTATCGCAGTGTTGGGTAAGACTTTGAA[C>T]AAGCTTGTTCTCAGGCTTTGATAAGTAGTGCTGTTTGCCAGCTGTATATTATCCCTAAAA-3'